The following is an entry in ClinVar:

NR_003051.4(RMRP):n.-18_-17insTCTGTGAAGCTGAGGAC

Gene: RMRP (RNA component of mitochondrial RNA processing endoribonuclease; minus strand). Cytogenetic location: 9p13.3.
Variant type: Insertion.
Genome position: GRCh38 VCF-style: chr9-35658036-G-GGTCCTCAGCTTCACAGA. GRCh37 (hg19) VCF-style: chr9-35658033-G-GGTCCTCAGCTTCACAGA.
Identifiers: ClinVar variation 3069136 (VCV003069136.2).

ClinVar aggregate classification (germline): Pathogenic (1 of 4 stars; one submission).

Conditions:
Metaphyseal chondrodysplasia, McKusick type (CHH). Also called: Cartilage-hair hypoplasia; Cartilage-Hair Hypoplasia (CHH). Identifiers: Orphanet 175, MedGen C0220748, MONDO:0009595, OMIM 250250.

Submission:

Laboratorio de Biologia Molecular/Medicina Genomica - IFF/Fiocruz, Instituto Fernandes Figueira, Fundacao Oswaldo Cruz
Classification: Pathogenic for Metaphyseal chondrodysplasia, McKusick type. Last evaluated: 2024-01-25. Review status: criteria provided, single submitter. Criteria: ACMG Guidelines, 2015. Collection method: clinical testing. Allele origin: germline. Affected: yes. Observed: 1 variant allele.
Comment: This alteration is located within the promoter region of the RMRP gene, which encodes an untranslated RNA. Other insertions and duplications in this region have been reported in individuals affected with cartilage-hair hypoplasia-anauxetic dysplasia spectrum disorders (PMID: 11207361, 21956908, 21396580). This variant involves the triplication of 17 nucleotides between the TATA box and the transcription initiation site and functional studies have shown that this type of alteration result in reduced expression of the RMRP gene (PMIDs: 11207361, 16254002). For these reasons, this variant has been classified as Pathogenic.

Literature cited by the submitters: PubMed 32021596.